The following is an entry in ClinVar:

ClinVar aggregate classification (germline): Uncertain significance. Review status: criteria provided, multiple submitters, no conflicts (2 of 4 stars). 4 submissions from 4 submitters: Uncertain significance (4). Last evaluated 2026-01-25.

Conditions:
Hereditary cancer-predisposing syndrome. Also called: Tumor predisposition; Neoplastic Syndromes, Hereditary; Hereditary Cancer Syndrome; Hereditary neoplastic syndrome. Identifiers: Orphanet 140162, MedGen C0027672, MeSH D009386, MONDO:0015356.
Neuroblastoma, susceptibility to, 3. Also called: ALK-Related Neuroblastic Tumor Susceptibility. Identifiers: Orphanet 635, MedGen C2751681, MONDO:0013083, OMIM 613014.

Allele frequency attached by ClinVar (database versions not stated): gnomAD 0.00001; TOPMed 0.00002.
gnomAD v4.1: 7 of 1,614,068 alleles (0.00043%); highest among the groups gnomAD compares: Non-Finnish European, 0.00059%; no homozygotes.

Submissions (4):

Labcorp Genetics (formerly Invitae), Labcorp
Classification: Uncertain significance for Neuroblastoma, susceptibility to, 3. Last evaluated: 2026-01-25. Review status: criteria provided, single submitter. Criteria: Invitae Variant Classification Sherloc (09022015). Collection method: clinical testing. Allele origin: germline.
Comment: This sequence change replaces alanine, which is neutral and non-polar, with proline, which is neutral and non-polar, at codon 436 of the ALK protein (p.Ala436Pro). This variant is present in population databases (no rsID available, gnomAD 0.0009%). This variant has not been reported in the literature in individuals affected with ALK-related conditions. ClinVar contains an entry for this variant (Variation ID: 404341). An algorithm developed to predict the effect of missense changes on protein structure and function (PolyPhen-2) suggests that this variant is likely to be disruptive. In summary, the available evidence is currently insufficient to determine the role of this variant in disease. Therefore, it has been classified as a Variant of Uncertain Significance.

Ambry Genetics
Classification: Uncertain significance for Hereditary cancer-predisposing syndrome. Last evaluated: 2025-01-15. Review status: criteria provided, single submitter. Criteria: Ambry Variant Classification Scheme 2023. Collection method: clinical testing. Allele origin: germline.
Comment: The p.A436P variant (also known as c.1306G>C), located in coding exon 6 of the ALK gene, results from a G to C substitution at nucleotide position 1306. The alanine at codon 436 is replaced by proline, an amino acid with highly similar properties. This amino acid position is highly conserved in available vertebrate species. In addition, the in silico prediction for this alteration is inconclusive. Based on the available evidence, the clinical significance of this variant remains unclear.

Baylor Genetics
Classification: Uncertain significance for Neuroblastoma, susceptibility to, 3. Last evaluated: 2024-01-04. Review status: criteria provided, single submitter. Criteria: ACMG Guidelines, 2015. Collection method: clinical testing. Allele origin: unknown.

GeneDx
Classification: Uncertain significance. Last evaluated: 2023-12-21. Review status: criteria provided, single submitter. Criteria: GeneDx Variant Classification Process June 2021. Collection method: clinical testing. Allele origin: germline. Affected: yes.
Comment: Not observed at significant frequency in large population cohorts (gnomAD); In silico analysis supports that this missense variant does not alter protein structure/function; Has not been previously published as pathogenic or benign to our knowledge

NM_004304.5(ALK):c.1306G>C (p.Ala436Pro)

Gene: ALK (ALK receptor tyrosine kinase; minus strand). Cytogenetic location: 2p23.2.
Variant type: single nucleotide variant.
Coding change: c.1306G>C on transcript NM_004304.5 (MANE Select); coding-DNA position 1306, G replaced by C.
Protein change: p.Ala436Pro; replaces alanine 436 with proline.
Molecular consequence: missense variant.
Genome position (GRCh38, 1-based): chr2:29,328,458, C>G on the plus strand (G>C on the coding strand, the complement: ALK is on the minus strand). VCF-style: chr2-29328458-C-G. GRCh37 (hg19) VCF-style: chr2-29551324-C-G.
Other names: short protein forms A436P.
Identifiers: ClinVar variation 404341 (VCV000404341.12), dbSNP rs745772939, ClinGen allele CA16610719.